The following is an entry in ClinVar:

ClinVar aggregate classification (germline): Uncertain significance (1 of 4 stars; one submission).

Submission:

GeneDx
Classification: Uncertain significance. Last evaluated: 2024-12-26. Review status: criteria provided, single submitter. Criteria: GeneDx Variant Classification Process June 2021. Collection method: clinical testing. Allele origin: germline. Affected: yes.
Comment: Not observed at significant frequency in large population cohorts (gnomAD); In silico analysis supports that this missense variant has a deleterious effect on protein structure/function; Has not been previously published as pathogenic or benign to our knowledge

NM_003239.5(TGFB3):c.1031G>A (p.Cys344Tyr)

Gene: TGFB3 (transforming growth factor beta 3; minus strand). Cytogenetic location: 14q24.3.
Variant type: single nucleotide variant.
Coding change: c.1031G>A on transcript NM_003239.5 (MANE Select); coding-DNA position 1031, G replaced by A.
Protein change: p.Cys344Tyr; replaces cysteine 344 with tyrosine.
Molecular consequence: missense variant.
Genome position (GRCh38, 1-based): chr14:75,960,972, C>T on the plus strand (G>A on the coding strand, the complement: TGFB3 is on the minus strand). VCF-style: chr14-75960972-C-T. GRCh37 (hg19) VCF-style: chr14-76427315-C-T.
Other names: c.1031G>A, p.Cys344Tyr (NM_001329939.2); short protein forms C344Y.
Identifiers: ClinVar variation 3907918 (VCV003907918.1).
Genomic context (GRCh38, chr14:75,960,972, plus strand): 5'-CTGCTCCATACCGTGCTGTGGGTTGTGTCTGCACTGCGGAGGTATGGGCAAGGGCCTGAG[C>T]AGAAGTTGGCATAGTAGCCCTTAGGTTCATGGACCCACTTCCAGCCCAGATCCTGTCGGA-3'
Protein context (NP_003230.1, residues 334-354): HEPKGYYANF[Cys344Tyr]SGPCPYLRSA